The following is an entry in ClinVar:

ClinVar aggregate classification (germline): Likely pathogenic (1 of 4 stars; one submission).

Submission:

Labcorp Genetics (formerly Invitae), Labcorp
Classification: Likely pathogenic. Last evaluated: 2025-05-06. Review status: criteria provided, single submitter. Criteria: Invitae Variant Classification Sherloc (09022015). Collection method: clinical testing. Allele origin: germline.
Comment: This sequence change affects an acceptor splice site in intron 15 of the CTNNA1 gene. It is expected to disrupt RNA splicing. Variants that disrupt the donor or acceptor splice site typically lead to a loss of protein function (PMID: 16199547), and loss-of-function variants in CTNNA1 are known to be pathogenic (PMID: 32051609, 34425242). This variant is not present in population databases (gnomAD no frequency). This variant has not been reported in the literature in individuals affected with CTNNA1-related conditions. Algorithms developed to predict the effect of sequence changes on RNA splicing suggest that this variant may disrupt the consensus splice site. In summary, the currently available evidence indicates that the variant is pathogenic, but additional data are needed to prove that conclusively. Therefore, this variant has been classified as Likely Pathogenic.

Literature cited by the submitters: PubMed 16199547; PubMed 32051609; PubMed 34425242.

NM_001903.5(CTNNA1):c.2193-2A>G

Gene: CTNNA1 (catenin alpha 1; plus strand). Cytogenetic location: 5q31.2.
Variant type: single nucleotide variant.
Coding change: c.2193-2A>G on transcript NM_001903.5 (MANE Select); the canonical splice acceptor site of the intron before coding-DNA position 2193, A replaced by G.
Molecular consequence: splice acceptor variant.
Genome position (GRCh38, 1-based): chr5:138,930,828, A>G. VCF-style: chr5-138930828-A-G. GRCh37 (hg19) VCF-style: chr5-138266517-A-G.
Other names: c.2193-2A>G (NM_001323982.2, NM_001323984.2, NM_001290307.3 and 2 more transcripts); c.2100-2A>G (NM_001323986.2); c.1824-2A>G (NM_001290310.3); c.1884-2A>G (NM_001290309.3); c.1083-2A>G (NM_001323996.1, NM_001323993.1, NM_001324005.1 and 17 more transcripts); c.744-2A>G (NM_001324007.1, NM_001324009.1, NM_001324006.1 and 2 more transcripts); c.840-2A>G (NM_001324013.1, NM_001324012.1); c.990-2A>G (NM_001324011.1).
Identifiers: ClinVar variation 4810503 (VCV004810503.1).